The following is an entry in ClinVar:

NM_001166108.2(PALLD):c.1965-12754C>T

Gene: PALLD (palladin, cytoskeletal associated protein; plus strand). Cytogenetic location: 4q32.3.
Variant type: single nucleotide variant.
Coding change: c.1965-12754C>T on transcript NM_001166108.2 (MANE Select); 12754 bases into the intron before coding-DNA position 1965, C replaced by T.
Molecular consequence: intron variant. On other transcripts: missense variant (1).
Genome position (GRCh38, 1-based): chr4:168,878,168, C>T. VCF-style: chr4-168878168-C-T. GRCh37 (hg19) VCF-style: chr4-169799319-C-T.
Other names: c.277C>T, p.Pro93Ser (NM_001166110.2); c.1965-12754C>T (NM_016081.4); c.819-12754C>T (NM_001166109.2); c.-157-12754C>T (NM_001367570.1, NM_001367568.1, NM_001367567.1 and 1 more transcripts); short protein forms P93S.
Identifiers: ClinVar variation 5026262 (VCV005026262.1).

ClinVar aggregate classification (germline): Uncertain significance (1 of 4 stars; one submission).

Submission:

Ambry Genetics
Classification: Uncertain significance. Last evaluated: 2026-09-13. Review status: criteria provided, single submitter. Criteria: Ambry Variant Classification Scheme 2023. Collection method: clinical testing. Allele origin: germline.
Comment: The p.P93S variant (also known as c.277C>T), located in coding exon 1 of the PALLD gene, results from a C to T substitution at nucleotide position 277. The proline at codon 93 is replaced by serine, an amino acid with similar properties. This amino acid position is conserved. In addition, this alteration is predicted to be tolerated by in silico analysis. Based on the available evidence, the clinical significance of this variant remains unclear.